The following is an entry in ClinVar:

ClinVar aggregate classification (germline): Pathogenic (1 of 4 stars; one submission).

Conditions:
Primary ciliary dyskinesia. Also called: Ciliary dyskinesia. Identifiers: Orphanet 244, MedGen C0008780, MONDO:0016575, HP:0012265.

Submission:

Labcorp Genetics (formerly Invitae), Labcorp
Classification: Pathogenic for Primary ciliary dyskinesia. Last evaluated: 2024-01-10. Review status: criteria provided, single submitter. Criteria: Invitae Variant Classification Sherloc (09022015). Collection method: clinical testing. Allele origin: germline.
Comment: This sequence change creates a premature translational stop signal (p.Leu585*) in the CCDC39 gene. It is expected to result in an absent or disrupted protein product. Loss-of-function variants in CCDC39 are known to be pathogenic (PMID: 21131972, 23255504). This variant is not present in population databases (gnomAD no frequency). This variant has not been reported in the literature in individuals affected with CCDC39-related conditions. For these reasons, this variant has been classified as Pathogenic.

Literature cited by the submitters: PubMed 21131972; PubMed 23255504.

NM_181426.2(CCDC39):c.1753del (p.Ser584_Leu585insTer)

Gene: CCDC39 (coiled-coil domain 39 molecular ruler complex subunit; minus strand). Cytogenetic location: 3q26.33.
Variant type: Deletion.
Coding change: c.1753del on transcript NM_181426.2 (MANE Select); coding-DNA position 1753, one base deleted (C; older notation c.1753delC).
Protein change: p.Ser584_Leu585insTer.
Molecular consequence: nonsense.
Genome position (GRCh38, 1-based): chr3:180,642,114, G deleted on the plus strand (C on the coding strand, the reverse complement: CCDC39 is on the minus strand); the first of 3 consecutive G bases (chr3:180,642,114-180,642,116); deleting any one gives the same sequence. VCF-style (leftmost placement, unchanged base first): chr3-180642113-AG-A. GRCh37 (hg19) VCF-style: chr3-180359901-AG-A.
Identifiers: ClinVar variation 2701813 (VCV002701813.3), dbSNP rs2473804087, ClinGen allele CA2697556992.
Genomic context (GRCh38, chr3:180,642,113, plus strand): 5'-ACCTTGATTTCTTCAGTTCGCTCTTCCATTGCTGTGTATAATTGCTGTTTTCTTTTTTCT[AG>A]GGAAAGAACTTCTTCTGCCTTACTGTGAAGCATTTCTCGAGTACGCTTAACTTCAAGTTT-3'